The following is an entry in ClinVar:

ClinVar aggregate classification (germline): Uncertain significance. Review status: criteria provided, multiple submitters, no conflicts (2 of 4 stars). 3 submissions from 3 submitters: Uncertain significance (2). 1 of the submissions does not count toward it. Last evaluated 2025-11-13.

Conditions:
Fanconi anemia (FA). Also called: Fanconi's anemia. Identifiers: Orphanet 84, MedGen C0015625, MeSH D005199, MONDO:0019391.
Inborn genetic diseases. Identifiers: MedGen C0950123, MeSH D030342.

Allele frequency attached by ClinVar (database versions not stated): gnomAD exomes 0.00001 and 0.00002; TOPMed 0.00002; ExAC 0.00003; gnomAD 0.00002 and 0.00001.
gnomAD v4.1: 24 of 1,613,886 alleles (0.0015%); highest among the groups gnomAD compares: Admixed American, 0.0083%; no homozygotes.

Submissions (3):

Ambry Genetics
Classification: Uncertain significance for Inborn genetic diseases. Last evaluated: 2025-11-13. Review status: criteria provided, single submitter. Criteria: Ambry Variant Classification Scheme 2023. Collection method: clinical testing. Allele origin: germline.

Labcorp Genetics (formerly Invitae), Labcorp
Classification: Uncertain significance for Fanconi anemia. Last evaluated: 2025-01-27. Review status: criteria provided, single submitter. Criteria: Invitae Variant Classification Sherloc (09022015). Collection method: clinical testing. Allele origin: germline.
Comment: This sequence change replaces alanine, which is neutral and non-polar, with threonine, which is neutral and polar, at codon 945 of the FANCA protein (p.Ala945Thr). This variant is present in population databases (rs757996952, gnomAD 0.009%). This variant has not been reported in the literature in individuals affected with FANCA-related conditions. ClinVar contains an entry for this variant (Variation ID: 1045439). Invitae Evidence Modeling of protein sequence and biophysical properties (such as structural, functional, and spatial information, amino acid conservation, physicochemical variation, residue mobility, and thermodynamic stability) indicates that this missense variant is not expected to disrupt FANCA protein function with a negative predictive value of 95%. In summary, the available evidence is currently insufficient to determine the role of this variant in disease. Therefore, it has been classified as a Variant of Uncertain Significance.

Natera, Inc.
Classification: Uncertain significance for Fanconi anemia. Last evaluated: 2020-07-14. Review status: no assertion criteria provided. Collection method: clinical testing. Allele origin: germline. Not counted in ClinVar's aggregate classification.

NM_000135.4(FANCA):c.2833G>A (p.Ala945Thr)

Gene: FANCA (FA complementation group A; minus strand). Cytogenetic location: 16q24.3.
Variant type: single nucleotide variant.
Coding change: c.2833G>A on transcript NM_000135.4 (MANE Select); coding-DNA position 2833, G replaced by A.
Protein change: p.Ala945Thr; replaces alanine 945 with threonine.
Molecular consequence: missense variant.
Genome position (GRCh38, 1-based): chr16:89,761,968, C>T on the plus strand (G>A on the coding strand, the complement: FANCA is on the minus strand). VCF-style: chr16-89761968-C-T. GRCh37 (hg19) VCF-style: chr16-89828376-C-T.
Other names: c.2833G>A (NM_000135.2); c.2833G>A, p.Ala945Thr (NM_001286167.3); short protein forms A945T.
Identifiers: ClinVar variation 1045439 (VCV001045439.12), dbSNP rs757996952, ClinGen allele CA8251488.